The following is an entry in ClinVar:

NM_004999.4(MYO6):c.1144G>A (p.Asp382Asn)

Gene: MYO6 (myosin VI; plus strand). Cytogenetic location: 6q14.1.
Variant type: single nucleotide variant.
Coding change: c.1144G>A on transcript NM_004999.4 (MANE Select); coding-DNA position 1144, G replaced by A.
Protein change: p.Asp382Asn; replaces aspartic acid 382 with asparagine.
Molecular consequence: missense variant. On other transcripts: non-coding transcript variant (1).
Genome position (GRCh38, 1-based): chr6:75,855,204, G>A. VCF-style: chr6-75855204-G-A. GRCh37 (hg19) VCF-style: chr6-76564921-G-A.
Other names: p.Asp382Asn; c.1144G>A, p.Asp382Asn (NM_001300899.2, NM_001368136.1, NM_001368137.1 and 2 more transcripts); c.1129G>A, p.Asp377Asn (NM_001368138.1); short protein forms D382N, D377N.
Identifiers: ClinVar variation 259604 (VCV000259604.27), dbSNP rs111530469, ClinGen allele CA3897052.

ClinVar aggregate classification (germline): Conflicting classifications of pathogenicity. Review status: criteria provided, conflicting classifications (1 of 4 stars). 8 submissions from 7 submitters: Uncertain significance (1); Benign (3); Likely benign (4). Last evaluated 2025-06-02.

Conditions:
Autosomal dominant nonsyndromic hearing loss 22. Also called: DFNA 22; Autosomal dominant nonsyndromic deafness 22. Identifiers: Orphanet 228012, MedGen C2931767, MONDO:0011660, OMIM 606346.
Autosomal recessive nonsyndromic hearing loss 37. Identifiers: Orphanet 90636, MedGen C1843028, MONDO:0011912, OMIM 607821.

Allele frequency attached by ClinVar (database versions not stated): gnomAD exomes 0.00014; gnomAD 0.00134 and 0.00137; TOPMed 0.00161; ESP Exome Variant Server 0.00169; 1000 Genomes Project 0.00459; 1000 Genomes Project 30x 0.00484.
gnomAD v4.1: 431 of 1,613,482 alleles (0.027%); highest among the groups gnomAD compares: African/African-American, 0.46%; 1 homozygote.

Submissions (8):

Labcorp Genetics (formerly Invitae), Labcorp
Classification: Benign. Last evaluated: 2025-06-02. Review status: criteria provided, single submitter. Criteria: Invitae Variant Classification Sherloc (09022015). Collection method: clinical testing. Allele origin: germline.

Mayo Clinic Laboratories, Mayo Clinic
Classification: Likely benign. Last evaluated: 2025-03-24. Review status: criteria provided, single submitter. Criteria: ACMG Guidelines, 2015. Collection method: clinical testing. Allele origin: germline. Observed: 1 variant allele.
Comment: BS1

Blueprint Genetics
Classification: Likely benign. Last evaluated: 2024-08-22. Review status: criteria provided, single submitter. Criteria: ACMG Guidelines, 2015. Collection method: clinical testing. Allele origin: germline.

ARUP Laboratories, Molecular Genetics and Genomics, ARUP Laboratories
Classification: Benign. Last evaluated: 2023-11-07. Review status: criteria provided, single submitter. Criteria: ARUP Molecular Germline Variant Investigation Process 2024. Collection method: clinical testing. Allele origin: germline.

GeneDx
Classification: Likely benign. Last evaluated: 2021-03-23. Review status: criteria provided, single submitter. Criteria: GeneDx Variant Classification Process June 2021. Collection method: clinical testing. Allele origin: germline. Affected: yes.

Illumina Laboratory Services, Illumina
Classification: Uncertain significance for Autosomal recessive nonsyndromic hearing loss 37. Last evaluated: 2018-01-13. Review status: criteria provided, single submitter. Criteria: ICSL Variant Classification Criteria 13 December 2019. Collection method: clinical testing. Allele origin: germline.

Illumina Laboratory Services, Illumina
Classification: Likely benign for Autosomal dominant nonsyndromic hearing loss 22. Last evaluated: 2018-01-13. Review status: criteria provided, single submitter. Criteria: ICSL Variant Classification Criteria 13 December 2019. Collection method: clinical testing. Allele origin: germline.
Comment: This variant was observed in the ICSL laboratory as part of a predisposition screen in an ostensibly healthy population. It had not been previously curated by ICSL or reported in the Human Gene Mutation Database (HGMD: prior to June 1st, 2018), and was therefore a candidate for classification through an automated scoring system. Utilizing variant allele frequency, disease prevalence and penetrance estimates, and inheritance mode, an automated score was calculated to assess if this variant is too frequent to cause the disease. Based on the score and internal cut-off values, a variant classified as likely benign is not then subjected to further curation. The score for this variant resulted in a classification of likely benign for this disease.

PreventionGenetics, part of Exact Sciences
Classification: Benign. Review status: criteria provided, single submitter. Criteria: ACMG Guidelines, 2015. Collection method: clinical testing. Allele origin: germline.